The following is an entry in ClinVar:

ClinVar aggregate classification (germline): Likely benign. Review status: criteria provided, multiple submitters, no conflicts (2 of 4 stars). 5 submissions from 5 submitters: Likely benign (4). 1 of the submissions does not count toward it. Last evaluated 2025-06-27.

Conditions:
SOS2-related disorder. Also called: SOS2-related condition.
Noonan syndrome 9 (NS9). Identifiers: Orphanet 648, MedGen C4225282, MONDO:0014691, OMIM 616559.
Cardiovascular phenotype. Identifiers: MedGen CN230736.

gnomAD v4.1: 10 of 1,594,020 alleles (0.00063%); highest among the groups gnomAD compares: South Asian, 0.0034%; no homozygotes.

Submissions (5):

Labcorp Genetics (formerly Invitae), Labcorp
Classification: Likely benign for Noonan syndrome 9. Last evaluated: 2025-06-27. Review status: criteria provided, single submitter. Criteria: Invitae Variant Classification Sherloc (09022015). Collection method: clinical testing. Allele origin: germline.

Ambry Genetics
Classification: Likely benign for Cardiovascular phenotype. Last evaluated: 2024-03-07. Review status: criteria provided, single submitter. Criteria: Ambry Variant Classification Scheme 2023. Collection method: clinical testing. Allele origin: germline.

Women's Health and Genetics/Laboratory Corporation of America, LabCorp
Classification: Likely benign. Last evaluated: 2021-09-11. Review status: criteria provided, single submitter. Criteria: LabCorp Variant Classification Summary - May 2015. Collection method: clinical testing. Allele origin: germline.

Genome-Nilou Lab
Classification: Likely benign for Noonan syndrome 9. Review status: criteria provided, single submitter. Criteria: ACMG Guidelines, 2015. Collection method: clinical testing. Allele origin: germline.

PreventionGenetics, part of Exact Sciences
Classification: Likely benign for SOS2-related condition. Last evaluated: 2019-03-26. Review status: no assertion criteria provided. Collection method: clinical testing. Allele origin: germline. Not counted in ClinVar's aggregate classification.
Comment: This variant is classified as likely benign based on ACMG/AMP sequence variant interpretation guidelines (Richards et al. 2015 PMID: 25741868, with internal and published modifications).

NM_006939.4(SOS2):c.2397G>A (p.Pro799=)

Gene: SOS2 (SOS Ras/Rho guanine nucleotide exchange factor 2; minus strand). Cytogenetic location: 14q21.3.
Variant type: single nucleotide variant.
Coding change: c.2397G>A on transcript NM_006939.4 (MANE Select); coding-DNA position 2397, G replaced by A.
Protein change: p.Pro799=; no amino-acid change (proline 799 retained).
Molecular consequence: synonymous variant.
Genome position (GRCh38, 1-based): chr14:50,145,584, C>T on the plus strand (G>A on the coding strand, the complement: SOS2 is on the minus strand). VCF-style: chr14-50145584-C-T. GRCh37 (hg19) VCF-style: chr14-50612302-C-T.
Other names: c.2397G>A (NM_006939.2).
Identifiers: ClinVar variation 1301363 (VCV001301363.13), dbSNP rs770022419, ClinGen allele CA260727081.